The following is an entry in ClinVar:

ClinVar aggregate classification (germline): Uncertain significance (1 of 4 stars; one submission).

Conditions:
Neurofibromatosis, type 1 (NF1). Also called: VON RECKLINGHAUSEN DISEASE; Neurofibromatosis, type I; NEUROFIBROMATOSIS, TYPE I, SOMATIC; Peripheral type neurofibromatosis. Identifiers: Orphanet 636, MedGen C0027831, MONDO:0018975, OMIM 162200. Disease mechanism: loss of function.

Submission:

Labcorp Genetics (formerly Invitae), Labcorp
Classification: Uncertain significance for Neurofibromatosis, type 1. Last evaluated: 2025-06-19. Review status: criteria provided, single submitter. Criteria: Invitae Variant Classification Sherloc (09022015). Collection method: clinical testing. Allele origin: germline.
Comment: This sequence change replaces methionine, which is neutral and non-polar, with threonine, which is neutral and polar, at codon 102 of the NF1 protein (p.Met102Thr). This variant is not present in population databases (gnomAD no frequency). This variant has not been reported in the literature in individuals affected with NF1-related conditions. Invitae Evidence Modeling of protein sequence and biophysical properties (such as structural, functional, and spatial information, amino acid conservation, physicochemical variation, residue mobility, and thermodynamic stability) indicates that this missense variant is not expected to disrupt NF1 protein function with a negative predictive value of 95%. In summary, the available evidence is currently insufficient to determine the role of this variant in disease. Therefore, it has been classified as a Variant of Uncertain Significance.

NM_001042492.3(NF1):c.305T>C (p.Met102Thr)

Gene: NF1 (neurofibromin 1; plus strand). Cytogenetic location: 17q11.2.
Variant type: single nucleotide variant.
Coding change: c.305T>C on transcript NM_001042492.3 (MANE Select); coding-DNA position 305, T replaced by C.
Protein change: p.Met102Thr; replaces methionine 102 with threonine.
Molecular consequence: missense variant.
Genome position (GRCh38, 1-based): chr17:31,163,202, T>C. VCF-style: chr17-31163202-T-C. GRCh37 (hg19) VCF-style: chr17-29490220-T-C.
Other names: c.305T>C, p.Met102Thr (NM_000267.4, NM_001128147.3); short protein forms M102T.
Identifiers: ClinVar variation 4800699 (VCV004800699.1).
Genomic context (GRCh38, chr17:31,163,202, plus strand): 5'-AGGTAAAATTAAAGTTTAGAATAATGTGATTATTTCTATTTTAGCAACCAAAGGACACAA[T>C]GAGATTAGATGAAACGATGCTGGTCAAACAGTTGCTGCCAGAAATCTGCCATTTTCTTCA-3'
Protein context (NP_001035957.1, residues 92-112): KCLAGQPKDT[Met102Thr]RLDETMLVKQ